The following is an entry in ClinVar:

ClinVar aggregate classification (germline): Benign. Review status: criteria provided, multiple submitters, no conflicts (2 of 4 stars). 2 submissions from 2 submitters: Benign (2). Last evaluated 2026-01-13.

Conditions:
Autosomal recessive omodysplasia (OMOD1). Also called: MICROMELIC DYSPLASIA, CONGENITAL, WITH DISLOCATION OF RADIUS. Identifiers: Orphanet 2733, Orphanet 93329, MedGen C1850318, MONDO:0009779, OMIM 258315.

Allele frequency attached by ClinVar (database versions not stated): gnomAD 0.00379 and 0.00409; ESP Exome Variant Server 0.00392; 1000 Genomes Project 0.00399; 1000 Genomes Project 30x 0.00437; TOPMed 0.00441.
gnomAD v4.1: 1,145 of 1,613,820 alleles (0.071%); highest among the groups gnomAD compares: African/African-American, 1.3%; 13 homozygotes.

Submissions (2):

Labcorp Genetics (formerly Invitae), Labcorp
Classification: Benign. Last evaluated: 2026-01-13. Review status: criteria provided, single submitter. Criteria: Invitae Variant Classification Sherloc (09022015). Collection method: clinical testing. Allele origin: germline.

Illumina Laboratory Services, Illumina
Classification: Benign for Autosomal recessive omodysplasia. Last evaluated: 2018-01-12. Review status: criteria provided, single submitter. Criteria: ICSL Variant Classification Criteria 13 December 2019. Collection method: clinical testing. Allele origin: germline.
Comment: This variant was observed in the ICSL laboratory as part of a predisposition screen in an ostensibly healthy population. It had not been previously curated by ICSL or reported in the Human Gene Mutation Database (HGMD: prior to June 1st, 2018), and was therefore a candidate for classification through an automated scoring system. Utilizing variant allele frequency, disease prevalence and penetrance estimates, and inheritance mode, an automated score was calculated to assess if this variant is too frequent to cause the disease. Based on the score and internal cut-off values, a variant classified as benign is not then subjected to further curation. The score for this variant resulted in a classification of benign for this disease.

NM_005708.5(GPC6):c.64G>A (p.Gly22Arg)

Gene: GPC6 (glypican 6; plus strand). Cytogenetic location: 13q31.3.
Variant type: single nucleotide variant.
Coding change: c.64G>A on transcript NM_005708.5 (MANE Select); coding-DNA position 64, G replaced by A.
Protein change: p.Gly22Arg; replaces glycine 22 with arginine.
Molecular consequence: missense variant.
Genome position (GRCh38, 1-based): chr13:93,227,520, G>A. VCF-style: chr13-93227520-G-A. GRCh37 (hg19) VCF-style: chr13-93879773-G-A.
Other names: short protein forms G22R.
Identifiers: ClinVar variation 716177 (VCV000716177.13), dbSNP rs150023233, ClinGen allele CA7016755.